The following is an entry in ClinVar:

ClinVar aggregate classification (germline): Pathogenic (1 of 4 stars; one submission).

Submission:

Labcorp Genetics (formerly Invitae), Labcorp
Classification: Pathogenic. Last evaluated: 2023-11-28. Review status: criteria provided, single submitter. Criteria: Invitae Variant Classification Sherloc (09022015). Collection method: clinical testing. Allele origin: germline.
Comment: This sequence change creates a premature translational stop signal (p.Gly116Argfs*3) in the TNFRSF9 gene. It is expected to result in an absent or disrupted protein product. Loss-of-function variants in TNFRSF9 are known to be pathogenic (PMID: 30872117, 31501153). This variant is not present in population databases (gnomAD no frequency). This variant has not been reported in the literature in individuals affected with TNFRSF9-related conditions. For these reasons, this variant has been classified as Pathogenic.

Literature cited by the submitters: PubMed 30872117; PubMed 31501153.

NM_001561.6(TNFRSF9):c.345dup (p.Gly116fs)

Gene: TNFRSF9 (TNF receptor superfamily member 9; minus strand). Cytogenetic location: 1p36.23.
Variant type: Duplication.
Coding change: c.345dup on transcript NM_001561.6 (MANE Select); coding-DNA position 345, one base duplicated (A; older notation c.345dupA).
Protein change: p.Gly116fs; shifts the reading frame from glycine 116.
Molecular consequence: frameshift variant.
Genome position (GRCh38, 1-based): chr1:7,938,194, T duplicated on the plus strand (A on the coding strand, the reverse complement: TNFRSF9 is on the minus strand); the first of 7 consecutive T bases (chr1:7,938,194-7,938,200); duplicating any one gives the same sequence. VCF-style (leftmost placement, unchanged base first): chr1-7938193-C-CT. GRCh37 (hg19) VCF-style: chr1-7998253-C-CT.
Other names: short protein forms G116fs.
Identifiers: ClinVar variation 2988687 (VCV002988687.3), dbSNP rs752649731, ClinGen allele CA569277.
Genomic context (GRCh38, chr1:7,938,193, plus strand): 5'-ATCAAAGCTAAGTTTGTCTATGTCACAAAACTACACTAGATCAAAGAAACGCAAACGTAC[C>CT]TTTTTTTGTCAGTTCTTGACCTTGTTTACAATCCTGTTCACACATGCTGCATCCTGCCCC-3'